The following is an entry in ClinVar:

ClinVar aggregate classification (germline): Likely pathogenic. Review status: criteria provided, multiple submitters, no conflicts (2 of 4 stars). 3 submissions from 3 submitters: Likely pathogenic (3). Last evaluated 2023-06-17.

Conditions:
Familial thoracic aortic aneurysm and aortic dissection (TAAD). Also called: Thoracic aortic aneurysms and dissections. Identifiers: Orphanet 91387, MedGen C4707243, MONDO:0019625.
Marfan syndrome (MFS). Also called: Marfan syndrome type 1; Marfan syndrome, classic; Marfan's syndrome; FBN1-Related Marfan Syndrome; MARFAN SYNDROME, TYPE I. Identifiers: Orphanet 284963, Orphanet 558, MedGen C0024796, MONDO:0007947, OMIM 154700.
FBN1-related disorder. Also called: FBN1-related disorders.

Submissions (3):

Labcorp Genetics (formerly Invitae), Labcorp
Classification: Likely pathogenic for Marfan syndrome; Familial thoracic aortic aneurysm and aortic dissection. Last evaluated: 2023-06-17. Review status: criteria provided, single submitter. Criteria: Invitae Variant Classification Sherloc (09022015). Collection method: clinical testing. Allele origin: germline.
Comment: In summary, the currently available evidence indicates that the variant is pathogenic, but additional data are needed to prove that conclusively. Therefore, this variant has been classified as Likely Pathogenic. This variant disrupts the p.Glu913 amino acid residue in FBN1. Other variant(s) that disrupt this residue have been determined to be pathogenic (Invitae). This suggests that this residue is clinically significant, and that variants that disrupt this residue are likely to be disease-causing. Advanced modeling of protein sequence and biophysical properties (such as structural, functional, and spatial information, amino acid conservation, physicochemical variation, residue mobility, and thermodynamic stability) performed at Invitae indicates that this missense variant is expected to disrupt FBN1 protein function. ClinVar contains an entry for this variant (Variation ID: 546242). This variant has not been reported in the literature in individuals affected with FBN1-related conditions. This variant is not present in population databases (gnomAD no frequency). This sequence change replaces glutamic acid, which is acidic and polar, with lysine, which is basic and polar, at codon 913 of the FBN1 protein (p.Glu913Lys).

GeneDx
Classification: Likely pathogenic. Last evaluated: 2020-10-20. Review status: criteria provided, single submitter. Criteria: GeneDx Variant Classification Process June 2021. Collection method: clinical testing. Allele origin: germline. Affected: yes.
Comment: Has not been previously published as pathogenic or benign to our knowledge; Not observed in large population cohorts (Lek et al., 2016); In silico analysis supports that this missense variant has a deleterious effect on protein structure/function

Blueprint Genetics
Classification: Likely pathogenic for FBN1-related disorders. Last evaluated: 2019-06-24. Review status: criteria provided, single submitter. Criteria: ACMG Guidelines, 2015. Collection method: clinical testing. Allele origin: germline. Affected: yes. Observed: 1 variant allele.

NM_000138.5(FBN1):c.2737G>A (p.Glu913Lys)

Gene: FBN1 (fibrillin 1; minus strand). Cytogenetic location: 15q21.1.
Variant type: single nucleotide variant.
Coding change: c.2737G>A on transcript NM_000138.5 (MANE Select); coding-DNA position 2737, G replaced by A.
Protein change: p.Glu913Lys; replaces glutamic acid 913 with lysine.
Molecular consequence: missense variant.
Genome position (GRCh38, 1-based): chr15:48,492,578, C>T on the plus strand (G>A on the coding strand, the complement: FBN1 is on the minus strand). VCF-style: chr15-48492578-C-T. GRCh37 (hg19) VCF-style: chr15-48784775-C-T.
Other names: short protein forms E913K.
Identifiers: ClinVar variation 546242 (VCV000546242.7), dbSNP rs1555398996, ClinGen allele CA392330888.